The following is an entry in ClinVar:

NM_002246.3(KCNK3):c.622C>A (p.Leu208Met)

Gene: KCNK3 (potassium two pore domain channel subfamily K member 3; plus strand). Cytogenetic location: 2p23.3.
Variant type: single nucleotide variant.
Coding change: c.622C>A on transcript NM_002246.3 (MANE Select); coding-DNA position 622, C replaced by A.
Protein change: p.Leu208Met; replaces leucine 208 with methionine.
Molecular consequence: missense variant.
Genome position (GRCh38, 1-based): chr2:26,728,005, C>A. VCF-style: chr2-26728005-C-A. GRCh37 (hg19) VCF-style: chr2-26950873-C-A.
Other names: short protein forms L208M.
Identifiers: ClinVar variation 5037173 (VCV005037173.1).

ClinVar aggregate classification (germline): Uncertain significance (1 of 4 stars; one submission).

Submission:

GeneDx
Classification: Uncertain significance. Last evaluated: 2026-04-16. Review status: criteria provided, single submitter. Criteria: GeneDx Variant Classification Process June 2021. Collection method: clinical testing. Allele origin: germline.
Comment: Not observed at significant frequency in large population cohorts (gnomAD); In silico analysis suggests that this missense variant does not alter protein structure/function; Has not been previously published as pathogenic or benign to our knowledge